The following is an entry in ClinVar:

NM_006073.4(TRDN):c.750G>T (p.Lys250Asn)

Gene: TRDN (triadin; minus strand). Cytogenetic location: 6q22.31.
Variant type: single nucleotide variant.
Coding change: c.750G>T on transcript NM_006073.4 (MANE Select); coding-DNA position 750, G replaced by T.
Protein change: p.Lys250Asn; replaces lysine 250 with asparagine.
Molecular consequence: missense variant.
Genome position (GRCh38, 1-based): chr6:123,503,762, C>A on the plus strand (G>T on the coding strand, the complement: TRDN is on the minus strand). VCF-style: chr6-123503762-C-A. GRCh37 (hg19) VCF-style: chr6-123824907-C-A.
Other names: c.750G>T, p.Lys250Asn (NM_001251987.2, NM_001256020.2, NM_001256021.2); c.750G>T (NM_006073.2); short protein forms K250N.
Identifiers: ClinVar variation 532315 (VCV000532315.11), dbSNP rs138912040, ClinGen allele CA147287315.

ClinVar aggregate classification (germline): Uncertain significance. Review status: criteria provided, multiple submitters, no conflicts (2 of 4 stars). 2 submissions from 2 submitters: Uncertain significance (2). Last evaluated 2024-04-20.

Conditions:
Catecholaminergic polymorphic ventricular tachycardia 1. Also called: VENTRICULAR TACHYCARDIA, CATECHOLAMINERGIC POLYMORPHIC, 1, WITH OR WITHOUT ATRIAL DYSFUNCTION AND/OR DILATED CARDIOMYOPATHY; RYR2-Related Catecholaminergic Polymorphic Ventricular Tachycardia; VENTRICULAR TACHYCARDIA, STRESS-INDUCED POLYMORPHIC 1. Identifiers: Orphanet 3286, MedGen C1631597, MONDO:0011484, OMIM 604772.
Cardiovascular phenotype. Identifiers: MedGen CN230736.

Allele frequency attached by ClinVar (database versions not stated): gnomAD exomes below 0.00001.
gnomAD v4.1: 1 of 1,613,640 alleles (0.000062%); highest among the groups gnomAD compares: Non-Finnish European, 0.000085%; no homozygotes.

Submissions (2):

Ambry Genetics
Classification: Uncertain significance for Cardiovascular phenotype. Last evaluated: 2024-04-20. Review status: criteria provided, single submitter. Criteria: Ambry Variant Classification Scheme 2023. Collection method: clinical testing. Allele origin: germline.
Comment: The p.K250N variant (also known as c.750G>T), located in coding exon 8 of the TRDN gene, results from a G to T substitution at nucleotide position 750. The lysine at codon 250 is replaced by asparagine, an amino acid with similar properties. This amino acid position is conserved. In addition, this alteration is predicted to be tolerated by in silico analysis. Based on the available evidence, the clinical significance of this variant remains unclear.

Labcorp Genetics (formerly Invitae), Labcorp
Classification: Uncertain significance for Catecholaminergic polymorphic ventricular tachycardia 1. Last evaluated: 2017-09-20. Review status: criteria provided, single submitter. Criteria: Invitae Variant Classification Sherloc (09022015). Collection method: clinical testing. Allele origin: germline.
Comment: In summary, the available evidence is currently insufficient to determine the role of this variant in disease. Therefore, it has been classified as a Variant of Uncertain Significance. Algorithms developed to predict the effect of missense changes on protein structure and function do not agree on the potential impact of this missense change (SIFT: "Deleterious"; PolyPhen-2: "Probably Damaging"; Align-GVGD: "Class C0"). This variant has not been reported in the literature in individuals with TRDN-related disease. This variant is not present in population databases (ExAC no frequency). This sequence change replaces lysine with asparagine at codon 250 of the TRDN protein (p.Lys250Asn). The lysine residue is highly conserved and there is a moderate physicochemical difference between lysine and asparagine.